The following is an entry in ClinVar:

ClinVar aggregate classification (germline): Uncertain significance (1 of 4 stars; one submission).

Conditions:
Hereditary cancer-predisposing syndrome. Also called: Neoplastic Syndromes, Hereditary; Tumor predisposition; Hereditary neoplastic syndrome; Hereditary Cancer Syndrome. Identifiers: Orphanet 140162, MedGen C0027672, MeSH D009386, MONDO:0015356.

Submission:

Ambry Genetics
Classification: Uncertain significance for Hereditary cancer-predisposing syndrome. Last evaluated: 2026-07-20. Review status: criteria provided, single submitter. Criteria: Ambry Variant Classification Scheme 2023. Collection method: clinical testing. Allele origin: germline.
Comment: The p.N1167I variant (also known as c.3500A>T), located in coding exon 15 of the APC gene, results from an A to T substitution at nucleotide position 3500. The asparagine at codon 1167 is replaced by isoleucine, an amino acid with dissimilar properties. This amino acid position is conserved. In addition, in silico predictors for this gene do not accurately predict pathogenicity. Based on the available evidence, the clinical significance of this variant remains unclear.

NM_000038.6(APC):c.3500A>T (p.Asn1167Ile)

Gene: APC (APC regulator of Wnt signaling pathway; plus strand). Cytogenetic location: 5q22.2.
Variant type: single nucleotide variant.
Coding change: c.3500A>T on transcript NM_000038.6 (MANE Select); coding-DNA position 3500, A replaced by T.
Protein change: p.Asn1167Ile; replaces asparagine 1167 with isoleucine.
Molecular consequence: missense variant. On other transcripts: non-coding transcript variant (2).
Genome position (GRCh38, 1-based): chr5:112,839,094, A>T. VCF-style: chr5-112839094-A-T. GRCh37 (hg19) VCF-style: chr5-112174791-A-T.
Other names: c.3500A>T, p.Asn1167Ile (NM_001127510.3, NM_001354895.2, NM_001407450.1); c.3446A>T, p.Asn1149Ile (NM_001127511.3); c.3554A>T, p.Asn1185Ile (NM_001354896.2, NM_001407447.1, NM_001407448.1 and 1 more transcripts); c.3530A>T, p.Asn1177Ile (NM_001354897.2); c.3425A>T, p.Asn1142Ile (NM_001354898.2); c.3416A>T, p.Asn1139Ile (NM_001354899.2); c.3377A>T, p.Asn1126Ile (NM_001354900.2); c.3323A>T, p.Asn1108Ile (NM_001354901.2, NM_001407453.1); and 11 more; short protein forms N1084I, N1157I, N1041I, N1066I, N1076I, N1126I, N1038I, N1108I.
Identifiers: ClinVar variation 5025507 (VCV005025507.1).